The following is an entry in ClinVar:

ClinVar aggregate classification (germline): Pathogenic/Likely pathogenic. Review status: criteria provided, multiple submitters, no conflicts (2 of 4 stars). 3 submissions from 3 submitters: Pathogenic (2); Likely pathogenic (1). Last evaluated 2025-11-01.

Conditions:
Desmin-related myofibrillar myopathy (MFM1). Also called: Desmin related myopathy (former name); Desmin storage myopathy (former name); MYOFIBRILLAR MYOPATHY WITH ARRHYTHMOGENIC RIGHT VENTRICULAR CARDIOMYOPATHY; DESMIN-RELATED MYOPATHY WITH ARRHYTHMOGENIC RIGHT VENTRICULAR CARDIOMYOPATHY; Myofibrillar myopathy 1; Desminopathy. Identifiers: Orphanet 363543, Orphanet 98909, MedGen C1832370, MONDO:0011076, OMIM 601419.

Allele frequency attached by ClinVar (database versions not stated): gnomAD exomes below 0.00001.

Submissions (3):

CeGaT Center for Human Genetics Tuebingen
Classification: Pathogenic. Last evaluated: 2025-11-01. Review status: criteria provided, single submitter. Criteria: CeGaT Center For Human Genetics Tuebingen Variant Classification Criteria Version 2. Collection method: clinical testing. Allele origin: germline. Affected: yes. Observed: 5 variant alleles.
Comment: DES: PVS1, PM2

Labcorp Genetics (formerly Invitae), Labcorp
Classification: Pathogenic for Desmin-related myofibrillar myopathy. Last evaluated: 2024-07-30. Review status: criteria provided, single submitter. Criteria: Invitae Variant Classification Sherloc (09022015). Collection method: clinical testing. Allele origin: germline.
Comment: This sequence change creates a premature translational stop signal (p.Arg325*) in the DES gene. It is expected to result in an absent or disrupted protein product. Loss-of-function variants in DES are known to be pathogenic (PMID: 23575897). This variant is not present in population databases (gnomAD no frequency). This variant has not been reported in the literature in individuals affected with DES-related conditions. ClinVar contains an entry for this variant (Variation ID: 872137). For these reasons, this variant has been classified as Pathogenic.

GeneDx
Classification: Likely pathogenic. Last evaluated: 2020-07-27. Review status: criteria provided, single submitter. Criteria: GeneDx Variant Classification Process June 2021. Collection method: clinical testing. Allele origin: germline. Affected: yes.
Comment: Has not been previously published as pathogenic or benign to our knowledge; Not observed in large population cohorts (Lek et al., 2016); Nonsense variant predicted to result in protein truncation or nonsense mediated decay in a gene for which loss-of-function is a known mechanism of disease for autosomal recessive myopathy

Literature cited by the submitters: PubMed 23575897 (cited by Labcorp Genetics (formerly Invitae), Labcorp).

NM_001927.4(DES):c.973C>T (p.Arg325Ter)

Gene: DES (desmin; plus strand). Cytogenetic location: 2q35.
Variant type: single nucleotide variant.
Coding change: c.973C>T on transcript NM_001927.4 (MANE Select); coding-DNA position 973, C replaced by T.
Protein change: p.Arg325Ter; replaces arginine 325 with a stop codon.
Molecular consequence: nonsense.
Genome position (GRCh38, 1-based): chr2:219,420,903, C>T. VCF-style: chr2-219420903-C-T. GRCh37 (hg19) VCF-style: chr2-220285625-C-T.
Other names: short protein forms R325*.
Identifiers: ClinVar variation 872137 (VCV000872137.50), dbSNP rs959034410, ClinGen allele CA350692951.
Genomic context (GRCh38, chr2:219,420,903, plus strand): 5'-CAGGCAGCCAACAAGAACAACGACGCCCTGCGCCAGGCCAAGCAGGAGATGATGGAATAC[C>T]GACACCAGATCCAGTCCTACACCTGCGAGATTGACGCCCTGAAGGGCACTGTGAGTCCCT-3'